The following is an entry in ClinVar:

NM_004100.5(EYA4):c.329C>T (p.Ala110Val)

Gene: EYA4 (EYA transcriptional coactivator and phosphatase 4; plus strand). Cytogenetic location: 6q23.2.
Variant type: single nucleotide variant.
Coding change: c.329C>T on transcript NM_004100.5 (MANE Select); coding-DNA position 329, C replaced by T.
Protein change: p.Ala110Val; replaces alanine 110 with valine.
Molecular consequence: missense variant. On other transcripts: intron variant (2).
Genome position (GRCh38, 1-based): chr6:133,456,607, C>T. VCF-style: chr6-133456607-C-T. GRCh37 (hg19) VCF-style: chr6-133777745-C-T.
Other names: c.329C>T, p.Ala110Val (NM_001301013.2, NM_172105.4); c.260C>T, p.Ala87Val (NM_001370458.1, NM_172103.4); c.209-4507C>T (NM_001370459.1, NM_001301012.2); short protein forms A110V, A87V.
Identifiers: ClinVar variation 2723493 (VCV002723493.3), dbSNP rs746012898, ClinGen allele CA4008014.

ClinVar aggregate classification (germline): Uncertain significance (1 of 4 stars; one submission).

Conditions:
Dilated cardiomyopathy 1J (CMD1J). Also called: CARDIOMYOPATHY, DILATED, WITH SENSORINEURAL HEARING LOSS, AUTOSOMAL DOMINANT. Identifiers: Orphanet 217622, MedGen C1854368, MONDO:0011541, OMIM 605362.

Allele frequency attached by ClinVar (database versions not stated): gnomAD exomes below 0.00001; TOPMed below 0.00001; gnomAD 0.00001; ExAC 0.00002.
gnomAD v4.1: 3 of 1,613,494 alleles (0.00019%); highest among the groups gnomAD compares: East Asian, 0.0045%; no homozygotes.

Submission:

Labcorp Genetics (formerly Invitae), Labcorp
Classification: Uncertain significance for Dilated cardiomyopathy 1J. Last evaluated: 2022-12-08. Review status: criteria provided, single submitter. Criteria: Invitae Variant Classification Sherloc (09022015). Collection method: clinical testing. Allele origin: germline.
Comment: In summary, the available evidence is currently insufficient to determine the role of this variant in disease. Therefore, it has been classified as a Variant of Uncertain Significance. Algorithms developed to predict the effect of missense changes on protein structure and function (SIFT, PolyPhen-2, Align-GVGD) all suggest that this variant is likely to be tolerated. This variant has not been reported in the literature in individuals affected with EYA4-related conditions. This variant is present in population databases (rs746012898, gnomAD 0.02%). This sequence change replaces alanine, which is neutral and non-polar, with valine, which is neutral and non-polar, at codon 110 of the EYA4 protein (p.Ala110Val).